The following is an entry in ClinVar:

NM_020634.3(GDF3):c.709A>G (p.Thr237Ala)

Gene: GDF3 (growth differentiation factor 3; minus strand). Cytogenetic location: 12p13.31.
Variant type: single nucleotide variant.
Coding change: c.709A>G on transcript NM_020634.3 (MANE Select); coding-DNA position 709, A replaced by G.
Protein change: p.Thr237Ala; replaces threonine 237 with alanine.
Molecular consequence: missense variant.
Genome position (GRCh38, 1-based): chr12:7,690,264, T>C on the plus strand (A>G on the coding strand, the complement: GDF3 is on the minus strand). VCF-style: chr12-7690264-T-C. GRCh37 (hg19) VCF-style: chr12-7842860-T-C.
Other names: short protein forms T237A.
Identifiers: ClinVar variation 538877 (VCV000538877.8), dbSNP rs934067367, ClinGen allele CA232503671.

ClinVar aggregate classification (germline): Uncertain significance (1 of 4 stars; one submission).

Conditions:
Klippel-Feil syndrome 3, autosomal dominant (KFS3). Identifiers: Orphanet 2345, MedGen C3150967, MONDO:0013375, OMIM 613702.

Allele frequency attached by ClinVar (database versions not stated): gnomAD 0.00001; gnomAD exomes below 0.00001; TOPMed 0.00002.
gnomAD v4.1: 4 of 1,613,768 alleles (0.00025%); highest among the groups gnomAD compares: Admixed American, 0.0033%; no homozygotes.

Submission:

Labcorp Genetics (formerly Invitae), Labcorp
Classification: Uncertain significance for Klippel-Feil syndrome 3, autosomal dominant. Last evaluated: 2017-10-18. Review status: criteria provided, single submitter. Criteria: Invitae Variant Classification Sherloc (09022015). Collection method: clinical testing. Allele origin: germline.
Comment: This sequence change replaces threonine with alanine at codon 237 of the GDF3 protein (p.Thr237Ala). The threonine residue is highly conserved and there is a small physicochemical difference between threonine and alanine. This variant is not present in population databases (ExAC no frequency). This variant has not been reported in the literature in individuals with GDF3-related disease. Algorithms developed to predict the effect of missense changes on protein structure and function output the following: SIFT: "Tolerated"; PolyPhen-2: "Benign"; Align-GVGD: "Class C0". The alanine amino acid residue is found in multiple mammalian species, suggesting that this missense change does not adversely affect protein function. These predictions have not been confirmed by published functional studies and their clinical significance is uncertain. In summary, the available evidence is currently insufficient to determine the role of this variant in disease. Therefore, it has been classified as a Variant of Uncertain Significance.